The following is an entry in ClinVar:

ClinVar aggregate classification (germline): Conflicting classifications of pathogenicity. Review status: criteria provided, conflicting classifications (1 of 4 stars). 6 submissions from 6 submitters: Uncertain significance (2); Benign (2); Likely benign (2). Last evaluated 2025-12-14.

Conditions:
Hypercholesterolemia, autosomal dominant, type B (FHCL2). Also called: Familial Hypercholesterolemia Type B; Hyperlipoproteinemia Type IIb; Familial hypercholesterolemia 2; APOB-Related Familial Hypercholesterolemia, Autosomal Dominant; APOLIPOPROTEIN B-100, FAMILIAL DEFECTIVE; APOLIPOPROTEIN B-100, FAMILIAL LIGAND-DEFECTIVE. Identifiers: MedGen C1704417, MONDO:0007751, OMIM 144010.
Familial hypobetalipoproteinemia 1. Also called: APOB-Related Familial Hypobetalipoproteinemia; Hypobetalipoproteinemia, normotriglyceridemic; Acanthocytosis with hypobetalipoproteinemia. Identifiers: MedGen C4551990, MONDO:0014252, OMIM 615558.
Cardiovascular phenotype. Identifiers: MedGen CN230736.
APOB-related disorder. Also called: APOB-related condition; APOB-related disorders.

Allele frequency attached by ClinVar (database versions not stated): TOPMed 0.00053; 1000 Genomes Project 30x 0.00062; ESP Exome Variant Server 0.00069; 1000 Genomes Project 0.00080.
gnomAD v4.1: 138 of 1,614,060 alleles (0.0085%); highest among the groups gnomAD compares: African/African-American, 0.16%; no homozygotes.

Submissions (6):

Labcorp Genetics (formerly Invitae), Labcorp
Classification: Benign for Familial hypobetalipoproteinemia 1; Hypercholesterolemia, autosomal dominant, type B. Last evaluated: 2025-12-14. Review status: criteria provided, single submitter. Criteria: Invitae Variant Classification Sherloc (09022015). Collection method: clinical testing. Allele origin: germline.

CeGaT Center for Human Genetics Tuebingen
Classification: Likely benign. Last evaluated: 2025-09-01. Review status: criteria provided, single submitter. Criteria: CeGaT Center For Human Genetics Tuebingen Variant Classification Criteria Version 2. Collection method: clinical testing. Allele origin: germline. Affected: yes. Observed: 1 variant allele.
Comment: APOB: BP4

Ambry Genetics
Classification: Benign for Cardiovascular phenotype. Last evaluated: 2024-08-29. Review status: criteria provided, single submitter. Criteria: Ambry Variant Classification Scheme 2023. Collection method: clinical testing. Allele origin: germline.

PreventionGenetics, part of Exact Sciences
Classification: Uncertain significance for APOB-related condition. Last evaluated: 2023-06-23. Review status: criteria provided, single submitter. Criteria: ACMG Guidelines, 2015. Collection method: clinical testing. Allele origin: germline.
Comment: The APOB c.9242G>A variant is predicted to result in the amino acid substitution p.Ser3081Asn. This variant was reported in an individual with hypercholesterolemia (Supplemental table 2 in Rimbert et al. 2021. PubMed ID: 35047021). This variant is reported in 0.15% of alleles in individuals of African descent in gnomAD. This variant has conflicting interpretations in ClinVar ranging from benign to uncertain. Of note, another variant impacting the same amino acid (p.Ser3081Thr) has been reported in a patient with hypercholesterolemia (Supplemental Table 5 in Marmontel et al. 2018. PubMed ID: 29572815). Although we suspect that the c.9242G>A (p.Ser3081Asn) variant may be benign, at this time, the clinical significance of this variant is uncertain due to the absence of conclusive functional and genetic evidence.

Quest Diagnostics Nichols Institute San Juan Capistrano
Classification: Likely benign. Last evaluated: 2022-08-16. Review status: criteria provided, single submitter. Criteria: Quest Diagnostics criteria. Collection method: clinical testing. Allele origin: unknown.

GeneDx
Classification: Uncertain significance. Last evaluated: 2022-05-27. Review status: criteria provided, single submitter. Criteria: GeneDx Variant Classification Process June 2021. Collection method: clinical testing. Allele origin: germline. Affected: yes.
Comment: Identified in association with familial hypercholesterolemia (FH) in published literature (Fath et al., 2021); In silico analysis supports that this missense variant does not alter protein structure/function; Also known as p.(S3054N); This variant is associated with the following publications: (PMID: 34650182)

Literature cited by the submitters: PubMed 35047021 (cited by Quest Diagnostics Nichols Institute San Juan Capistrano).

NM_000384.3(APOB):c.9242G>A (p.Ser3081Asn)

Gene: APOB (apolipoprotein B; minus strand). Cytogenetic location: 2p24.1.
Variant type: single nucleotide variant.
Coding change: c.9242G>A on transcript NM_000384.3 (MANE Select); coding-DNA position 9242, G replaced by A.
Protein change: p.Ser3081Asn; replaces serine 3081 with asparagine.
Molecular consequence: missense variant.
Genome position (GRCh38, 1-based): chr2:21,007,626, C>T on the plus strand (G>A on the coding strand, the complement: APOB is on the minus strand). VCF-style: chr2-21007626-C-T. GRCh37 (hg19) VCF-style: chr2-21230498-C-T.
Other names: short protein forms S3081N.
Identifiers: ClinVar variation 630270 (VCV000630270.17), dbSNP rs72653100, ClinGen allele CA066399.